The following is an entry in ClinVar:

NM_006206.6(PDGFRA):c.2278T>C (p.Ser760Pro)

Gene: PDGFRA (platelet derived growth factor receptor alpha; plus strand). Cytogenetic location: 4q12.
Variant type: single nucleotide variant.
Coding change: c.2278T>C on transcript NM_006206.6 (MANE Select); coding-DNA position 2278, T replaced by C.
Protein change: p.Ser760Pro; replaces serine 760 with proline.
Molecular consequence: missense variant.
Genome position (GRCh38, 1-based): chr4:54,280,437, T>C. VCF-style: chr4-54280437-T-C. GRCh37 (hg19) VCF-style: chr4-55146604-T-C.
Other names: c.2278T>C, p.Ser760Pro (NM_001347827.2, NM_001347829.2); c.2353T>C, p.Ser785Pro (NM_001347828.2); c.2317T>C, p.Ser773Pro (NM_001347830.2); short protein forms S760P, S773P, S785P.
Identifiers: ClinVar variation 821011 (VCV000821011.13), dbSNP rs779246705, ClinGen allele CA2922802.

ClinVar aggregate classification (germline): Conflicting classifications of pathogenicity. Review status: criteria provided, conflicting classifications (1 of 4 stars). 2 submissions from 2 submitters: Uncertain significance (1); Likely benign (1). Last evaluated 2025-10-02.

Conditions:
Gastrointestinal stromal tumor. Also called: Gastrointestinal stromal tumor, somatic; Gastrointestinal stroma tumor. Identifiers: Orphanet 44890, MedGen C0238198, MeSH D046152, MONDO:0011719, OMIM 606764, HP:0100723.
Hereditary cancer-predisposing syndrome. Also called: Neoplastic Syndromes, Hereditary; Hereditary Cancer Syndrome; Hereditary neoplastic syndrome; Tumor predisposition. Identifiers: Orphanet 140162, MedGen C0027672, MeSH D009386, MONDO:0015356.

Allele frequency attached by ClinVar (database versions not stated): gnomAD exomes below 0.00001 and 0.00001; ExAC 0.00001; gnomAD 0.00001; TOPMed 0.00002.
gnomAD v4.1: 8 of 1,613,736 alleles (0.0005%); highest among the groups gnomAD compares: African/African-American, 0.0027%; no homozygotes.

Submissions (2):

Labcorp Genetics (formerly Invitae), Labcorp
Classification: Uncertain significance for Gastrointestinal stromal tumor. Last evaluated: 2025-10-02. Review status: criteria provided, single submitter. Criteria: Invitae Variant Classification Sherloc (09022015). Collection method: clinical testing. Allele origin: germline.
Comment: This sequence change replaces serine, which is neutral and polar, with proline, which is neutral and non-polar, at codon 760 of the PDGFRA protein (p.Ser760Pro). This variant is present in population databases (rs779246705, gnomAD 0.01%). This variant has not been reported in the literature in individuals affected with PDGFRA-related conditions. ClinVar contains an entry for this variant (Variation ID: 821011). Invitae Evidence Modeling of protein sequence and biophysical properties (such as structural, functional, and spatial information, amino acid conservation, physicochemical variation, residue mobility, and thermodynamic stability) indicates that this missense variant is not expected to disrupt PDGFRA protein function with a negative predictive value of 80%. In summary, the available evidence is currently insufficient to determine the role of this variant in disease. Therefore, it has been classified as a Variant of Uncertain Significance.

Ambry Genetics
Classification: Likely benign for Hereditary cancer-predisposing syndrome. Last evaluated: 2024-10-28. Review status: criteria provided, single submitter. Criteria: Ambry Variant Classification Scheme 2023. Collection method: clinical testing. Allele origin: germline.